The following is an entry in ClinVar:

NM_182972.3(IRF2BP2):c.224C>T (p.Ala75Val)

Genes: IRF2BP2 (interferon regulatory factor 2 binding protein 2; minus strand), LOC129932812 (ATAC-STARR-seq lymphoblastoid silent region 1977; plus strand). Cytogenetic location: 1q42.3.
Variant type: single nucleotide variant.
Coding change: c.224C>T on transcript NM_182972.3 (MANE Select); coding-DNA position 224, C replaced by T.
Protein change: p.Ala75Val; replaces alanine 75 with valine.
Molecular consequence: missense variant.
Genome position (GRCh38, 1-based): chr1:234,609,271, G>A on the plus strand (C>T on the coding strand, the complement: IRF2BP2 is on the minus strand). VCF-style: chr1-234609271-G-A. GRCh37 (hg19) VCF-style: chr1-234745017-G-A.
Other names: c.224C>T (NM_182972.2); c.224C>T, p.Ala75Val (NM_001077397.1); short protein forms A75V.
Identifiers: ClinVar variation 2988159 (VCV002988159.4), dbSNP rs1265117929, ClinGen allele CA345311538.

ClinVar aggregate classification (germline): Uncertain significance. Review status: criteria provided, multiple submitters, no conflicts (2 of 4 stars). 2 submissions from 2 submitters: Uncertain significance (2). Last evaluated 2024-08-12.

Allele frequency attached by ClinVar (database versions not stated): gnomAD exomes 0.00001.

Submissions (2):

Ambry Genetics
Classification: Uncertain significance. Last evaluated: 2024-08-12. Review status: criteria provided, single submitter. Criteria: Ambry Variant Classification Scheme 2023. Collection method: clinical testing. Allele origin: germline.

Labcorp Genetics (formerly Invitae), Labcorp
Classification: Uncertain significance. Last evaluated: 2023-06-22. Review status: criteria provided, single submitter. Criteria: Invitae Variant Classification Sherloc (09022015). Collection method: clinical testing. Allele origin: germline.
Comment: This sequence change replaces alanine, which is neutral and non-polar, with valine, which is neutral and non-polar, at codon 75 of the IRF2BP2 protein (p.Ala75Val). This variant is not present in population databases (gnomAD no frequency). In summary, the available evidence is currently insufficient to determine the role of this variant in disease. Therefore, it has been classified as a Variant of Uncertain Significance. An algorithm developed to predict the effect of missense changes on protein structure and function (PolyPhen-2) suggests that this variant is likely to be tolerated. This variant has not been reported in the literature in individuals affected with IRF2BP2-related conditions.